The following is an entry in ClinVar:

ClinVar aggregate classification (germline): Likely benign. Review status: criteria provided, multiple submitters, no conflicts (2 of 4 stars). 2 submissions from 2 submitters: Likely benign (2). Last evaluated 2025-12-03.

Allele frequency attached by ClinVar (database versions not stated): gnomAD exomes 0.00001; gnomAD 0.00002; TOPMed 0.00002; ExAC 0.00003.
gnomAD v4.1: 11 of 1,614,004 alleles (0.00068%); highest among the groups gnomAD compares: East Asian, 0.018%; no homozygotes.

Submissions (2):

Labcorp Genetics (formerly Invitae), Labcorp
Classification: Likely benign. Last evaluated: 2025-12-03. Review status: criteria provided, single submitter. Criteria: Invitae Variant Classification Sherloc (09022015). Collection method: clinical testing. Allele origin: germline.

CeGaT Center for Human Genetics Tuebingen
Classification: Likely benign. Last evaluated: 2025-07-01. Review status: criteria provided, single submitter. Criteria: CeGaT Center For Human Genetics Tuebingen Variant Classification Criteria Version 2. Collection method: clinical testing. Allele origin: germline. Affected: yes. Observed: 1 variant allele.
Comment: SZT2: BP4, BP7

NM_001365999.1(SZT2):c.7794C>T (p.Pro2598=)

Gene: SZT2 (SZT2 subunit of KICSTOR complex; plus strand). Cytogenetic location: 1p34.2.
Variant type: single nucleotide variant.
Coding change: c.7794C>T on transcript NM_001365999.1 (MANE Select); coding-DNA position 7794, C replaced by T.
Protein change: p.Pro2598=; no amino-acid change (proline 2598 retained).
Molecular consequence: synonymous variant.
Genome position (GRCh38, 1-based): chr1:43,442,051, C>T. VCF-style: chr1-43442051-C-T. GRCh37 (hg19) VCF-style: chr1-43907722-C-T.
Other names: c.7623C>T, p.Pro2541= (NM_015284.4).
Identifiers: ClinVar variation 1106238 (VCV001106238.17), dbSNP rs767907348, ClinGen allele CA810338.